The following is an entry in ClinVar:

NM_006767.4(LZTR1):c.1730A>G (p.Gln577Arg)

Gene: LZTR1 (leucine zipper like post translational regulator 1; plus strand). Cytogenetic location: 22q11.21.
Variant type: single nucleotide variant.
Coding change: c.1730A>G on transcript NM_006767.4 (MANE Select); coding-DNA position 1730, A replaced by G.
Protein change: p.Gln577Arg; replaces glutamine 577 with arginine.
Molecular consequence: missense variant.
Genome position (GRCh38, 1-based): chr22:20,994,672, A>G. VCF-style: chr22-20994672-A-G. GRCh37 (hg19) VCF-style: chr22-21348961-A-G.
Other names: short protein forms Q577R.
Identifiers: ClinVar variation 3360668 (VCV003360668.1).

ClinVar aggregate classification (germline): Uncertain significance (1 of 4 stars; one submission).

Submission:

GeneDx
Classification: Uncertain significance. Last evaluated: 2023-06-29. Review status: criteria provided, single submitter. Criteria: GeneDx Variant Classification Process June 2021. Collection method: clinical testing. Allele origin: germline. Affected: yes.
Comment: Not observed at significant frequency in large population cohorts (gnomAD); In silico analysis supports that this missense variant does not alter protein structure/function; Has not been previously published as pathogenic or benign to our knowledge